The following is an entry in ClinVar:

NM_000350.3(ABCA4):c.5646G>A (p.Met1882Ile)

Gene: ABCA4 (ATP binding cassette subfamily A member 4; minus strand). Cytogenetic location: 1p22.1.
Variant type: single nucleotide variant.
Coding change: c.5646G>A on transcript NM_000350.3 (MANE Select); coding-DNA position 5646, G replaced by A.
Protein change: p.Met1882Ile; replaces methionine 1882 with isoleucine.
Molecular consequence: missense variant.
Genome position (GRCh38, 1-based): chr1:94,010,868, C>T on the plus strand (G>A on the coding strand, the complement: ABCA4 is on the minus strand). VCF-style: chr1-94010868-C-T. GRCh37 (hg19) VCF-style: chr1-94476424-C-T.
Other names: c.5424G>A, p.Met1808Ile (NM_001425324.1); short protein forms M1882I, M1808I.
Identifiers: ClinVar variation 377407 (VCV000377407.10), dbSNP rs752160946, ClinGen allele CA957183.
Genomic context (GRCh38, chr1:94,010,868, plus strand): 5'-GAGGAAGAAGTGGCGCTGGACCAGCAGGGTCAGGAGGAAGTACACCACCCCTTCCACCAC[C>T]ATGGCAAACAGGTTCTTCCCAATCAGGTCCCAGTGGAACGGATTTGCAGAGTGCTCCTCA-3'
Protein context (NP_000341.2, residues 1872-1892): WDLIGKNLFA[Met1882Ile]VVEGVVYFLL

ClinVar aggregate classification (germline): Pathogenic/Likely pathogenic. Review status: criteria provided, multiple submitters, no conflicts (2 of 4 stars). 5 submissions from 4 submitters: Pathogenic (4); Likely pathogenic (1). Last evaluated 2025-12-08.

Conditions:
ABCA4-related disorder. Also called: ABCA4-related condition; ABCA4-related disorders. Identifiers: MedGen CN239167.
ABCA4-related retinopathy. Also called: ABCA4-related retinoapthy; ABCA4 retinoapthy. Identifiers: MedGen CN322612, MONDO:0800406.

Allele frequency attached by ClinVar (database versions not stated): TOPMed 0.00001.

Submissions (5):

PreventionGenetics, part of Exact Sciences
Classification: Pathogenic for ABCA4-related condition. Last evaluated: 2025-12-08. Review status: criteria provided, single submitter. Criteria: ACMG Guidelines, 2015. Collection method: clinical testing. Allele origin: germline.
Comment: The ABCA4 c.5646G>A variant is predicted to result in the amino acid substitution p.Met1882Ile. This variant has been reported with a second ABCA4 variant in individuals with Stargardt disease or retinitis pigmentosa (see, for example, Zernant. 2011 et al. PubMed ID: 21911583 ; Xin et al. 2015. PubMed ID: 26161775; Chen et al. 2020. PubMed ID: 31872526). This variant has been reported in an individual with Stargardt disease (Supplementary Data, Schindler. 2010. PubMed ID: 20647261); however, a second variant was not identified. It has been reported to segregate with disease in family members (Zhang et al. 2016. PubMed ID: 28050124; Supplemental Table 1, Stone et al. 2017. PubMed ID: 28559085). This variant is reported in 0.038% of alleles in individuals of East Asian descent in gnomAD. This variant is interpreted as pathogenic.

Labcorp Genetics (formerly Invitae), Labcorp
Classification: Pathogenic. Last evaluated: 2025-12-05. Review status: criteria provided, single submitter. Criteria: Invitae Variant Classification Sherloc (09022015). Collection method: clinical testing. Allele origin: germline.
Comment: This sequence change replaces methionine, which is neutral and non-polar, with isoleucine, which is neutral and non-polar, at codon 1882 of the ABCA4 protein (p.Met1882Ile). This variant is present in population databases (rs752160946, gnomAD 0.03%). This missense change has been observed in individual(s) with ABCA4-related conditions (PMID: 28050124, 31872526). In at least one individual the data is consistent with being in trans (on the opposite chromosome) from a pathogenic variant. It has also been observed to segregate with disease in related individuals. ClinVar contains an entry for this variant (Variation ID: 377407). Invitae Evidence Modeling of protein sequence and biophysical properties (such as structural, functional, and spatial information, amino acid conservation, physicochemical variation, residue mobility, and thermodynamic stability) indicates that this missense variant is expected to disrupt ABCA4 protein function with a positive predictive value of 95%. For these reasons, this variant has been classified as Pathogenic.

Division of Genetic & Genomic Pathology, Hong Kong Children's Hospital
Classification: Pathogenic for ABCA4-related retinopathy. Last evaluated: 2025-03-31. Review status: criteria provided, single submitter. Criteria: ACMG Guidelines, 2015. Collection method: clinical testing. Allele origin: germline. Affected: yes.
Comment: ABCA4 c.5646G>A p.(Met1882Ile) is a missense variant located in exon 40. The variant is only present in East Asians at a low frequency in control populations (gnomAD v2.1.1 East Asian: total 7 in 18,390 alleles; gnomAD v4.1.0 East Asian: 2 in 44,860 alleles). It has been detected in both homozygote state and in trans with other (likely) pathogenic variants in multiple patients with ABCA4-related retinopathy (ClinVar accession: VCV000377407.4; PMID: 28050124, 28559085, 31543898 and 31872526). The variant has also been reported to co-segregate with disease in a family with three siblings affected by ABCA4-related retinopathy (PMID: 28050124). The variant has a REVEL score of 0.840, which is predicted to be deleterious. For these reasons, the variant is classified as pathogenic. This variant is inherited in trans with an inframe variant.

Division of Genetic & Genomic Pathology, Hong Kong Children's Hospital
Classification: Pathogenic for ABCA4-related disorder. Last evaluated: 2024-09-03. Review status: criteria provided, single submitter. Criteria: ACMG Guidelines, 2015. Collection method: clinical testing. Allele origin: germline. Affected: yes.
Comment: ABCA4 c.5646G>A p.(Met1882Ile) is a missense variant located in exon 40 of the gene. The variant is only present in East Asians at a low frequency in control populations (gnomAD v4.1.0 East Asian: 2 in 44,860 alleles; total: 2 in 1,614,164 alleles; no homozygotes). It has been detected in both homozygote state and in trans with other (likely) pathogenic variants in multiple patients with ABCA4-related retinopathy (ClinVar accession: VCV000377407.4; PMID: 28050124, 28559085, 31543898 and 31872526). The variant has also been reported to co-segregate with disease in a family with three siblings affected by ABCA4-related retinopathy (PMID: 28050124). The variant has a REVEL score of 0.840, which is predicted to be deleterious. For these reasons, the variant is classified as pathogenic. This variant is in trans with another missense pathogenic variant.

GeneDx
Classification: Likely pathogenic. Last evaluated: 2016-12-29. Review status: criteria provided, single submitter. Criteria: GeneDx Variant Classification (06012015). Collection method: clinical testing. Allele origin: germline. Affected: yes.
Comment: The M1882I variant in the ABCA4 gene has been reported previously in multiple unrelated individuals with an ABCA4-related disorder, most of whom also harbored another ABCA4 variant (Schindler et al., 2010; Zernant et al., 2011; Yi et al., 2012; Xin et al., 2015; Duncker et al., 2015); however, segregation analysis was not performed in all cases to confirm the phase of the reported variants. The M1882I variant is not observed at a significant frequency in large population cohorts (Lek et al., 2016; 1000 Genomes Consortium et al., 2015; Exome Variant Server). The M1882I variant is a conservative amino acid substitution. Although this substitution occurs at a position where amino acids with similar properties to Methionine are tolerated across species, in silico analysis predicts this variant is probably damaging to the protein structure/function. We interpret M1882I as a strong candidate for a pathogenic variant; however, the possibility it is a rare benign variant cannot be excluded.

Literature cited by the submitters: PubMed 28050124 (cited by Labcorp Genetics (formerly Invitae), Labcorp and Division of Genetic & Genomic Pathology, Hong Kong Children's Hospital); PubMed 31872526 (cited by Labcorp Genetics (formerly Invitae), Labcorp and Division of Genetic & Genomic Pathology, Hong Kong Children's Hospital); PubMed 28559085 (cited by Division of Genetic & Genomic Pathology, Hong Kong Children's Hospital); PubMed 31543898 (cited by Division of Genetic & Genomic Pathology, Hong Kong Children's Hospital).